The following is an entry in ClinVar:

ClinVar aggregate classification (germline): Conflicting classifications of pathogenicity. Review status: criteria provided, conflicting classifications (1 of 4 stars). 2 submissions from 2 submitters: Uncertain significance (1); Likely benign (1). Last evaluated 2025-12-09.

Conditions:
Susceptibility to respiratory infections associated with CD8alpha chain mutation (IMD116). Also called: Cd8 deficiency, familial; IMMUNODEFICIENCY 116. Identifiers: Orphanet 169085, MedGen C1837065, MONDO:0012161, OMIM 608957.

Allele frequency attached by ClinVar (database versions not stated): gnomAD 0.00004 and 0.00005; TOPMed 0.00016; 1000 Genomes Project 0.00020; 1000 Genomes Project 30x 0.00031; ExAC 0.00035; gnomAD exomes 0.00035.
gnomAD v4.1: 108 of 1,613,416 alleles (0.0067%); highest among the groups gnomAD compares: Admixed American, 0.18%; 2 homozygotes.

Submissions (2):

Labcorp Genetics (formerly Invitae), Labcorp
Classification: Likely benign for Susceptibility to respiratory infections associated with CD8alpha chain mutation. Last evaluated: 2025-12-09. Review status: criteria provided, single submitter. Criteria: Invitae Variant Classification Sherloc (09022015). Collection method: clinical testing. Allele origin: germline.

Baylor Genetics
Classification: Uncertain significance for Susceptibility to respiratory infections associated with CD8alpha chain mutation. Last evaluated: 2018-02-19. Review status: criteria provided, single submitter. Criteria: ACMG Guidelines, 2015. Collection method: clinical testing. Allele origin: maternal. Affected: yes.
Comment: This variant was determined to be of uncertain significance according to ACMG Guidelines, 2015 [PMID:25741868].

NM_001768.7(CD8A):c.188C>G (p.Ala63Gly)

Gene: CD8A (CD8 subunit alpha; minus strand). Cytogenetic location: 2p11.2.
Variant type: single nucleotide variant.
Coding change: c.188C>G on transcript NM_001768.7 (MANE Select); coding-DNA position 188, C replaced by G.
Protein change: p.Ala63Gly; replaces alanine 63 with glycine.
Molecular consequence: missense variant. On other transcripts: non-coding transcript variant (3).
Genome position (GRCh38, 1-based): chr2:86,790,543, G>C on the plus strand (C>G on the coding strand, the complement: CD8A is on the minus strand). VCF-style: chr2-86790543-G-C. GRCh37 (hg19) VCF-style: chr2-87017666-G-C.
Other names: c.188C>G, p.Ala63Gly (NM_001145873.1, NM_001382698.1, NM_171827.4); short protein forms A63G.
Identifiers: ClinVar variation 1033866 (VCV001033866.11), dbSNP rs537395900, ClinGen allele CA1751255.
Genomic context (GRCh38, chr2:86,790,543, plus strand): 5'-CCCTCGGCCGCCTTGGGCTTGTTTTGGGAGAGGTATAGGAGGAAGGTGGGACTGGCGGCG[G>C]CGCCGCGCGGCTGGAAGAGCCACGAGCAGCCCGACGTCGGGTTGGACAGCAGCACCTGGC-3'
Protein context (NP_001759.3, residues 53-73): GCSWLFQPRG[Ala63Gly]AASPTFLLYL